The following is an entry in ClinVar:

NM_000051.4(ATM):c.5460A>G (p.Lys1820=)

Gene: ATM (ATM serine/threonine kinase; plus strand). Cytogenetic location: 11q22.3.
Variant type: single nucleotide variant.
Coding change: c.5460A>G on transcript NM_000051.4 (MANE Select); coding-DNA position 5460, A replaced by G.
Protein change: p.Lys1820=; no amino-acid change (lysine 1820 retained).
Molecular consequence: synonymous variant.
Genome position (GRCh38, 1-based): chr11:108,302,993, A>G. VCF-style: chr11-108302993-A-G. GRCh37 (hg19) VCF-style: chr11-108173720-A-G.
Other names: c.5460A>G, p.Lys1820= (NM_001351834.2).
Identifiers: ClinVar variation 825754 (VCV000825754.5), dbSNP rs1591712836, ClinGen allele CA476675010.

ClinVar aggregate classification (germline): Benign/Likely benign. Review status: criteria provided, multiple submitters, no conflicts (2 of 4 stars). 2 submissions from 2 submitters: Benign (1); Likely benign (1). Last evaluated 2024-05-23.

Conditions:
Hereditary cancer-predisposing syndrome. Also called: Neoplastic Syndromes, Hereditary; Tumor predisposition; Hereditary neoplastic syndrome; Hereditary Cancer Syndrome. Identifiers: Orphanet 140162, MedGen C0027672, MeSH D009386, MONDO:0015356.
Familial cancer of breast. Also called: BREAST CANCER, FAMILIAL; Hereditary breast cancer; hereditary breast carcinoma. Identifiers: Orphanet 227535, MedGen C0346153, MONDO:0016419, OMIM 114480. Disease mechanism: loss of function.

Allele frequency attached by ClinVar (database versions not stated): TOPMed 0.00001.

Submissions (2):

Myriad Genetics, Inc.
Classification: Benign for Familial cancer of breast. Last evaluated: 2024-05-23. Review status: criteria provided, single submitter. Criteria: Myriad Autosomal Dominant, Autosomal Recessive and X-Linked Classification Criteria (2023). Collection method: clinical testing. Allele origin: unknown.
Comment: This variant is considered benign. This variant is a silent/synonymous amino acid change and it is not expected to impact splicing.

Ambry Genetics
Classification: Likely benign for Hereditary cancer-predisposing syndrome. Last evaluated: 2018-07-04. Review status: criteria provided, single submitter. Criteria: Ambry Variant Classification Scheme 2023. Collection method: clinical testing. Allele origin: germline.